The following is an entry in ClinVar:

NM_022489.4(INF2):c.203T>C (p.Phe68Ser)

Gene: INF2 (inverted formin 2; plus strand). Cytogenetic location: 14q32.33.
Variant type: single nucleotide variant.
Coding change: c.203T>C on transcript NM_022489.4 (MANE Select); coding-DNA position 203, T replaced by C.
Protein change: p.Phe68Ser; replaces phenylalanine 68 with serine.
Molecular consequence: missense variant.
Genome position (GRCh38, 1-based): chr14:104,701,568, T>C. VCF-style: chr14-104701568-T-C. GRCh37 (hg19) VCF-style: chr14-105167905-T-C.
Other names: c.203T>C, p.Phe68Ser (NM_001031714.4, NM_032714.3); short protein forms F68S.
Identifiers: ClinVar variation 637709 (VCV000637709.3), dbSNP rs1595163801, ClinGen allele CA391225433.
Genomic context (GRCh38, chr14:104,701,568, plus strand): 5'-TCAACTACTCCGGCCTGCGCAAGCGCCTGGAGGGCAGCGACGGCGGCTGGATGGTGCAGT[T>C]CCTGGAGCAGAGCGGCCTGGACCTGCTGCTGGAGGCGCTGGCGCGGCTGTCGGGCCGCGG-3'
Protein context (NP_071934.3, residues 58-78): EGSDGGWMVQ[Phe68Ser]LEQSGLDLLL

ClinVar aggregate classification (germline): Likely pathogenic. Review status: criteria provided, single submitter (1 of 4 stars). 2 submissions from 2 submitters: Likely pathogenic (1). 1 of the submissions does not count toward it. Last evaluated 2026-04-25.

Conditions:
Charcot-Marie-Tooth disease. Also called: Charcot-Marie-Tooth Hereditary Neuropathy; Charcot-Marie-Tooth Neuropathy. Identifiers: Orphanet 166, MedGen C0007959, MONDO:0015626.

Submissions (2):

Dasa
Classification: Likely pathogenic. Last evaluated: 2026-04-25. Review status: criteria provided, single submitter. Criteria: DASA Assertion Criteria. Collection method: clinical testing. Allele origin: germline.
Comment: NM_022489.4(INF2):c.203T>C (p.Phe68Ser) is a missense variant that results in the substitution of phenylalanine with serine. The affected residue or protein region has prior evidence supporting clinical relevance. This variant has been recurrently observed in individuals with INF2-related disorders (PMID: 39609740; PMID: 32444357). Also, this variant is absent from population databases. Computational evidence supports a deleterious effect. Based on the currently available evidence, this variant is classified as likely pathogenic.

Inherited Neuropathy Consortium
Classification: Uncertain significance for Charcot-Marie-Tooth disease. Review status: no assertion criteria provided. Collection method: literature only. Allele origin: germline. Affected: yes. Not counted in ClinVar's aggregate classification.

Literature cited by the submitters: PubMed 39609740 (cited by Dasa); PubMed 32444357 (cited by Dasa); PubMed 25676889 (cited by Inherited Neuropathy Consortium).